The following is an entry in ClinVar:

ClinVar aggregate classification (germline): Uncertain significance (1 of 4 stars; one submission).

gnomAD v4.1: 2 of 1,591,980 alleles (0.00013%); highest among the groups gnomAD compares: Non-Finnish European, 0.00017%; no homozygotes.

Submission:

Labcorp Genetics (formerly Invitae), Labcorp
Classification: Uncertain significance. Last evaluated: 2025-12-13. Review status: criteria provided, single submitter. Criteria: Invitae Variant Classification Sherloc (09022015). Collection method: clinical testing. Allele origin: germline.
Comment: This sequence change replaces serine, which is neutral and polar, with asparagine, which is neutral and polar, at codon 45 of the USP53 protein (p.Ser45Asn). This variant is not present in population databases (gnomAD no frequency). This variant has not been reported in the literature in individuals affected with USP53-related conditions. Invitae Evidence Modeling of protein sequence and biophysical properties (such as structural, functional, and spatial information, amino acid conservation, physicochemical variation, residue mobility, and thermodynamic stability) indicates that this missense variant is expected to disrupt USP53 protein function with a positive predictive value of 80%. In summary, the available evidence is currently insufficient to determine the role of this variant in disease. Therefore, it has been classified as a Variant of Uncertain Significance.

NM_001371395.1(USP53):c.134G>A (p.Ser45Asn)

Gene: USP53 (ubiquitin specific peptidase 53; plus strand). Cytogenetic location: 4q26.
Variant type: single nucleotide variant.
Coding change: c.134G>A on transcript NM_001371395.1 (MANE Select); coding-DNA position 134, G replaced by A.
Protein change: p.Ser45Asn; replaces serine 45 with asparagine.
Molecular consequence: missense variant. On other transcripts: intron variant (6).
Genome position (GRCh38, 1-based): chr4:119,239,893, G>A. VCF-style: chr4-119239893-G-A. GRCh37 (hg19) VCF-style: chr4-120161048-G-A.
Other names: c.134G>A, p.Ser45Asn (NM_001371396.1, NM_001371397.1, NM_001371398.1 and 6 more transcripts); c.-204-5444G>A (NM_001389663.1, NM_001389667.1, NM_001389662.1 and 2 more transcripts); c.-205+4482G>A (NM_001389664.1); short protein forms S45N.
Identifiers: ClinVar variation 4767578 (VCV004767578.1).
Genomic context (GRCh38, chr4:119,239,893, plus strand): 5'-CACTAGCCCCTACCAAAGGCTTGTTAAATGAACCAGGACAAAACAGCTGCTTTCTTAATA[G>A]CGCTGTACAGGTGAGACCATAATTACTTATTACATTAAAAAAAATACTTTTCAGAAAATC-3'
Protein context (NP_001358324.1, residues 35-55): EPGQNSCFLN[Ser45Asn]AVQVLWQLDI